The following is an entry in ClinVar:

ClinVar aggregate classification (germline): Uncertain significance (1 of 4 stars; one submission).

Conditions:
Arrhythmogenic right ventricular dysplasia 13. Also called: Arrhythmogenic right ventricular dysplasia, familial, 13; ARRHYTHMOGENIC RIGHT VENTRICULAR CARDIOMYOPATHY 13. Identifiers: MedGen C3810138, MONDO:0000908, OMIM 615616.

Allele frequency attached by ClinVar (database versions not stated): gnomAD exomes below 0.00001.
gnomAD v4.1: 1 of 1,613,856 alleles (0.000062%); highest among the groups gnomAD compares: Non-Finnish European, 0.000085%; no homozygotes.

Submission:

Dubai Health Genomic Medicine Center, Dubai Health
Classification: Uncertain significance for Arrhythmogenic right ventricular dysplasia 13. Last evaluated: 2020-02-11. Review status: criteria provided, single submitter. Criteria: ACMG Guidelines, 2015. Collection method: clinical testing. Allele origin: germline. Affected: yes.
Comment: The p.Leu792Pro missense variant in CTNNA3 has not been previously reported in affected individuals and is absent from large population studies such as the Genome Aggregation Database (gnomAD) and the Greater Middle East (GME) Variome database. Computational prediction tools and conservation analysis suggest an impact to protein function though this information is not predictive enough to prove pathogenicity. In summary more information is needed to determine the clinical significance of this varianr. Heterozygous variants in CTNNA3 have been associated with Arrhythmogenic right ventricular cardiomyopathy/dysplasia in two studies.

NM_013266.4(CTNNA3):c.2375T>C (p.Leu792Pro)

Gene: CTNNA3 (catenin alpha 3; minus strand). Cytogenetic location: 10q21.3.
Variant type: single nucleotide variant.
Coding change: c.2375T>C on transcript NM_013266.4 (MANE Select); coding-DNA position 2375, T replaced by C.
Protein change: p.Leu792Pro; replaces leucine 792 with proline.
Molecular consequence: missense variant.
Genome position (GRCh38, 1-based): chr10:65,966,637, A>G on the plus strand (T>C on the coding strand, the complement: CTNNA3 is on the minus strand). VCF-style: chr10-65966637-A-G. GRCh37 (hg19) VCF-style: chr10-67726395-A-G.
Other names: c.2375T>C, p.Leu792Pro (NM_001127384.3); short protein forms L792P.
Identifiers: ClinVar variation 1301700 (VCV001301700.2), dbSNP rs2133257020, ClinGen allele CA377089926.
Genomic context (GRCh38, chr10:65,966,637, plus strand): 5'-CACCTGTGATCATGTAAGTGCTAGGCAGTACTCACAGCTGACATGATGAGCTCTCCTCCC[A>G]GGTTCTGGATCTCAGCTTTAACTTGACTGCAGATTTTCAGTTGGTGGGAGTAGAACTTAA-3'
Protein context (NP_037398.2, residues 782-802): CSQVKAEIQN[Leu792Pro]GGELIMSALD